The following is an entry in ClinVar:

ClinVar aggregate classification (germline): Benign/Likely benign. Review status: criteria provided, multiple submitters, no conflicts (2 of 4 stars). 11 submissions from 11 submitters: Benign (6); Likely benign (4). 1 of the submissions does not count toward it. Last evaluated 2026-08-01.

Conditions:
GAA-related disorder. Also called: GAA-related condition.
Cardiovascular phenotype. Identifiers: MedGen CN230736.
Primary dilated cardiomyopathy (DCM). Also called: Dilated Cardiomyopathy. Identifiers: Orphanet 217604, MedGen C0007193, MeSH D002311, MONDO:0005021, HP:0001644. Inheritance: Various modes of inheritance.
Glycogen storage disease, type II (IOPD). Also called: Pompe Disease; CARDIOMEGALIA GLYCOGENICA DIFFUSA; Glucosidase acid-1,4-alpha deficiency; POMPE DISEASE, INFANTILE-ONSET; GLYCOGEN STORAGE DISEASE II, INFANTILE-ONSET; ACID ALPHA-GLUCOSIDASE DEFICIENCY, INFANTILE-ONSET. Identifiers: Orphanet 365, MedGen C0017921, MONDO:0009290, OMIM 232300.

Allele frequency attached by ClinVar (database versions not stated): ESP Exome Variant Server 0.00038; gnomAD exomes 0.00050 and 0.00114; gnomAD 0.00057 and 0.00076; TOPMed 0.00060; ExAC 0.00138; 1000 Genomes Project 30x 0.00297; 1000 Genomes Project 0.00300.
gnomAD v4.1: 880 of 1,613,358 alleles (0.055%); highest among the groups gnomAD compares: South Asian, 0.71%; 11 homozygotes.

Submissions (11):

CeGaT Center for Human Genetics Tuebingen
Classification: Likely benign. Last evaluated: 2026-08-01. Review status: criteria provided, single submitter. Criteria: CeGaT Center For Human Genetics Tuebingen Variant Classification Criteria Version 2. Collection method: clinical testing. Allele origin: germline. Affected: yes. Observed: 1 variant allele.
Comment: GAA: BS2

Genomenon, Inc
Classification: Likely benign for Glycogen storage disease, type II. Last evaluated: 2026-07-01. Review status: criteria provided, single submitter. Criteria: Genomenon Sequence Variant Interpretation Standards - Updated. Collection method: curation. Allele origin: germline. Affected: no.
Comment: GAA p.Ser448Thr (c.1343G>C) is a missense variant that changes the amino acid at codon 448 from Serine to Threonine. This variant has been reported in the published literature (PMID:39678382;30281819). In silico models predict that this variant is not damaging. This variant’s allele frequency in gnomAD is greater than expected for this disorder. In conclusion, we classify GAA p.Ser448Thr (c.1343G>C) as a likely benign variant.

Labcorp Genetics (formerly Invitae), Labcorp
Classification: Benign for Glycogen storage disease, type II. Last evaluated: 2026-01-31. Review status: criteria provided, single submitter. Criteria: Invitae Variant Classification Sherloc (09022015). Collection method: clinical testing. Allele origin: germline.

ARUP Laboratories, Molecular Genetics and Genomics, ARUP Laboratories
Classification: Benign for Glycogen storage disease, type II. Last evaluated: 2024-06-21. Review status: criteria provided, single submitter. Criteria: ARUP Molecular Germline Variant Investigation Process 2024. Collection method: clinical testing. Allele origin: germline.

Ambry Genetics
Classification: Benign for Cardiovascular phenotype. Last evaluated: 2024-04-25. Review status: criteria provided, single submitter. Criteria: Ambry Variant Classification Scheme 2023. Collection method: clinical testing. Allele origin: germline.

Mayo Clinic Laboratories, Mayo Clinic
Classification: Benign. Last evaluated: 2020-11-27. Review status: criteria provided, single submitter. Criteria: ACMG Guidelines, 2015. Collection method: clinical testing. Allele origin: germline. Observed: 3 variant alleles.

Women's Health and Genetics/Laboratory Corporation of America, LabCorp
Classification: Benign. Last evaluated: 2020-07-30. Review status: criteria provided, single submitter. Criteria: LabCorp Variant Classification Summary - May 2015. Collection method: clinical testing. Allele origin: germline.
Comment: Variant summary: GAA c.1343G>C (p.Ser448Thr) results in a conservative amino acid change in the encoded protein sequence. Three of five in-silico tools predict a damaging effect of the variant on protein function. The variant allele was found at a frequency of 0.0011 in 250344 control chromosomes, predominantly at a frequency of 0.008 within the South Asian subpopulation in the gnomAD database, including 5 homozygotes. The observed variant frequency within South Asian control individuals in the gnomAD database is approximately 2 fold of the estimated maximal expected allele frequency for a pathogenic variant in GAA causing Glycogen Storage Disease, Type 2 (Pompe Disease) phenotype (0.0042), strongly suggesting that the variant is a benign polymorphism found primarily in populations of South Asian origin. To our knowledge, no experimental evidence demonstrating its impact on protein function have been reported. Four ClinVar submitters (evaluation after 2014) cite the variant as likely benign/benign. Based on the evidence outlined above, the variant was classified as benign.

Center for Advanced Laboratory Medicine, UC San Diego Health, University of California San Diego
Classification: Benign for Dilated cardiomyopathy. Last evaluated: 2018-01-05. Review status: criteria provided, single submitter. Criteria: ACMG Guidelines, 2015. Collection method: clinical testing. Allele origin: germline. Affected: yes. Observed: 1 variant allele.

GeneDx
Classification: Likely benign. Last evaluated: 2017-10-16. Review status: criteria provided, single submitter. Criteria: GeneDx Variant Classification (06012015). Collection method: clinical testing. Allele origin: germline. Affected: yes.
Comment: This variant is considered likely benign or benign based on one or more of the following criteria: it is a conservative change, it occurs at a poorly conserved position in the protein, it is predicted to be benign by multiple in silico algorithms, and/or has population frequency not consistent with disease.

Eurofins Ntd Llc (ga)
Classification: Likely benign. Last evaluated: 2015-10-07. Review status: criteria provided, single submitter. Criteria: EGL Classification Definitions 2015. Collection method: clinical testing. Allele origin: germline. Observed: 1 variant allele, 1 heterozygote.

PreventionGenetics, part of Exact Sciences
Classification: Benign for GAA-related condition. Last evaluated: 2024-07-11. Review status: no assertion criteria provided. Collection method: clinical testing. Allele origin: germline. Not counted in ClinVar's aggregate classification.
Comment: This variant is classified as benign based on ACMG/AMP sequence variant interpretation guidelines (Richards et al. 2015 PMID: 25741868, with internal and published modifications).

Literature cited by the submitters: PubMed 39678382 (cited by Genomenon, Inc); PubMed 30281819 (cited by Genomenon, Inc).

NM_000152.5(GAA):c.1343G>C (p.Ser448Thr)

Gene: GAA (alpha glucosidase; plus strand). Cytogenetic location: 17q25.3.
Variant type: single nucleotide variant.
Coding change: c.1343G>C on transcript NM_000152.5 (MANE Select); coding-DNA position 1343, G replaced by C.
Protein change: p.Ser448Thr; replaces serine 448 with threonine.
Molecular consequence: missense variant.
Genome position (GRCh38, 1-based): chr17:80,109,961, G>C. VCF-style: chr17-80109961-G-C. GRCh37 (hg19) VCF-style: chr17-78083760-G-C.
Other names: p.Ser448Thr; c.1343G>C (LRG_673t1); c.1343G>C, p.Ser448Thr (NM_001079803.3, NM_001079804.3); short protein forms S448T.
Identifiers: ClinVar variation 283498 (VCV000283498.25), dbSNP rs145712232, ClinGen allele CA8815291.